The following is an entry in ClinVar:

NM_000540.3(RYR1):c.2787-16A>G

Gene: RYR1 (ryanodine receptor 1; plus strand). Cytogenetic location: 19q13.2.
Variant type: single nucleotide variant.
Coding change: c.2787-16A>G on transcript NM_000540.3 (MANE Select); 16 bases into the intron before coding-DNA position 2787, A replaced by G.
Molecular consequence: intron variant.
Genome position (GRCh38, 1-based): chr19:38,464,623, A>G. VCF-style: chr19-38464623-A-G. GRCh37 (hg19) VCF-style: chr19-38955263-A-G.
Other names: c.2787-16A>G (NM_001042723.2).
Identifiers: ClinVar variation 513221 (VCV000513221.3), dbSNP rs998030731, ClinGen allele CA308075032.

ClinVar aggregate classification (germline): Likely benign. Review status: criteria provided, multiple submitters, no conflicts (2 of 4 stars). 3 submissions from 3 submitters: Likely benign (3). Last evaluated 2025-08-17.

Conditions:
RYR1-related disorder. Also called: RYR1-related condition; RYR1-related disorders. Identifiers: MedGen CN239331.
Malignant hyperthermia, susceptibility to, 1 (MHS1). Also called: Anesthesia related hyperthermia; Malignant hyperpyrexia; Fulminating hyperpyrexia; Pharmacogenic myopathy; RYR1-Related Malignant Hyperthermia Susceptibility; Malignant hyperthermia suceptibility 1. Identifiers: Orphanet 423, MedGen C2930980, MONDO:0007783, OMIM 145600.
Congenital myopathy with fiber type disproportion. Also called: Congenital fiber-type disproportion myopathy; Congenital fiber-type disproportion. Identifiers: Orphanet 2020, MedGen C0546264, MONDO:0009711. Inheritance: all.
Central core myopathy (CMYO1A). Also called: CONGENITAL MYOPATHY 1A, AUTOSOMAL DOMINANT, WITH SUSCEPTIBILITY TO MALIGNANT HYPERTHERMIA; Central core disease; Myopathy, central fibrillar. Identifiers: Orphanet 597, MedGen C5830701, MONDO:0007294, OMIM 117000.
King Denborough syndrome (KDS). Identifiers: MedGen C1840365, MONDO:0020485, OMIM 619542.
Congenital multicore myopathy with external ophthalmoplegia (CMYO1B). Also called: Minicore myopathy with external ophthalmoplegia; Congenital myopathy 1B, autosomal recessive; Minicore myopathy; MULTICORE MYOPATHY; MULTIMINICORE DISEASE WITH EXTERNAL OPHTHALMOPLEGIA. Identifiers: Orphanet 598, Orphanet 98905, MedGen C1850674, MONDO:0009712, OMIM 255320, HP:0003789.

Allele frequency attached by ClinVar (database versions not stated): gnomAD 0.00002; TOPMed 0.00002.

Submissions (3):

Labcorp Genetics (formerly Invitae), Labcorp
Classification: Likely benign for RYR1-related disorder. Last evaluated: 2025-08-17. Review status: criteria provided, single submitter. Criteria: Invitae Variant Classification Sherloc (09022015). Collection method: clinical testing. Allele origin: germline.

Fulgent Genetics
Classification: Likely benign for Central core myopathy; Malignant hyperthermia, susceptibility to, 1; Congenital myopathy 4A, autosomal dominant; Congenital multicore myopathy with external ophthalmoplegia; King Denborough syndrome. Last evaluated: 2021-07-16. Review status: criteria provided, single submitter. Criteria: ACMG Guidelines, 2015. Collection method: clinical testing. Allele origin: unknown.

GeneDx
Classification: Likely benign. Last evaluated: 2017-11-09. Review status: criteria provided, single submitter. Criteria: GeneDx Variant Classification (06012015). Collection method: clinical testing. Allele origin: germline. Affected: yes.
Comment: This variant is considered likely benign or benign based on one or more of the following criteria: it is a conservative change, it occurs at a poorly conserved position in the protein, it is predicted to be benign by multiple in silico algorithms, and/or has population frequency not consistent with disease.